The following is an entry in ClinVar:

ClinVar aggregate classification (germline): Uncertain significance (1 of 4 stars; one submission).

Conditions:
Infantile hypophosphatasia. Identifiers: Orphanet 247651, Orphanet 436, MedGen C0268412, MONDO:1010169, OMIM 241500, MONDO:0009427.

Submission:

3billion
Classification: Uncertain significance for Infantile hypophosphatasia. Last evaluated: 2023-07-26. Review status: criteria provided, single submitter. Criteria: ACMG Guidelines, 2015. Collection method: clinical testing. Allele origin: germline. Affected: yes.
Comment: The variant is not observed in the gnomAD v2.1.1 dataset. Predicted Consequence/Location: Missense variant In silico tool predictions suggest damaging effect of the variant on gene or gene product (REVEL: 0.89; 3Cnet: 0.78). Therefore, this variant is classified as VUS according to the recommendation of ACMG/AMP guideline.

NM_000478.6(ALPL):c.1414C>T (p.His472Tyr)

Gene: ALPL (alkaline phosphatase, biomineralization associated; plus strand). Cytogenetic location: 1p36.12.
Variant type: single nucleotide variant.
Coding change: c.1414C>T on transcript NM_000478.6 (MANE Select); coding-DNA position 1414, C replaced by T.
Protein change: p.His472Tyr; replaces histidine 472 with tyrosine.
Molecular consequence: missense variant.
Genome position (GRCh38, 1-based): chr1:21,577,487, C>T. VCF-style: chr1-21577487-C-T. GRCh37 (hg19) VCF-style: chr1-21903980-C-T.
Other names: c.1249C>T, p.His417Tyr (NM_001127501.4); c.1183C>T, p.His395Tyr (NM_001177520.3); c.1414C>T, p.His472Tyr (NM_001369803.2, NM_001369804.2, NM_001369805.2); short protein forms H395Y, H417Y, H472Y.
Identifiers: ClinVar variation 3776018 (VCV003776018.1).
Genomic context (GRCh38, chr1:21,577,487, plus strand): 5'-GAGACCCACGGCGGGGAGGACGTGGCCGTCTTCTCCAAGGGCCCCATGGCGCACCTGCTG[C>T]ACGGCGTCCACGAGCAGAACTACGTCCCCCACGTGATGGCGTATGCAGCCTGCATCGGGG-3'
Protein context (NP_000469.3, residues 462-482): FSKGPMAHLL[His472Tyr]GVHEQNYVPH